The following is an entry in ClinVar:

NM_020223.4(FAM20C):c.1327G>A (p.Asp443Asn)

Gene: FAM20C (FAM20C golgi associated secretory pathway kinase; plus strand). Cytogenetic location: 7p22.3.
Variant type: single nucleotide variant.
Coding change: c.1327G>A on transcript NM_020223.4 (MANE Select); coding-DNA position 1327, G replaced by A.
Protein change: p.Asp443Asn; replaces aspartic acid 443 with asparagine.
Molecular consequence: missense variant.
Genome position (GRCh38, 1-based): chr7:256,727, G>A. VCF-style: chr7-256727-G-A. GRCh37 (hg19) VCF-style: chr7-296693-G-A.
Other names: short protein forms D443N.
Identifiers: ClinVar variation 949340 (VCV000949340.4), dbSNP rs1204236661, ClinGen allele CA366525622.
Genomic context (GRCh38, chr7:256,727, plus strand): 5'-CCTGACTACTGCGAGGAGGTGAAGCAGACACCGCCCTACGACAGCAGCCACCGCATCCTG[G>A]ACGTCATGGACATGACGATCTTCGACTTCCTCATGGGTACGTCCCGCAGGGGCACGGGGT-3'
Protein context (NP_064608.2, residues 433-453): PPYDSSHRIL[Asp443Asn]VMDMTIFDFL

ClinVar aggregate classification (germline): Uncertain significance (1 of 4 stars; one submission).

Allele frequency attached by ClinVar (database versions not stated): gnomAD exomes below 0.00001; TOPMed below 0.00001; gnomAD 0.00001.
gnomAD v4.1: 4 of 1,536,092 alleles (0.00026%); highest among the groups gnomAD compares: African/African-American, 0.0055%; no homozygotes.

Submission:

Labcorp Genetics (formerly Invitae), Labcorp
Classification: Uncertain significance. Last evaluated: 2021-08-27. Review status: criteria provided, single submitter. Criteria: Invitae Variant Classification Sherloc (09022015). Collection method: clinical testing. Allele origin: germline.
Comment: This sequence change replaces aspartic acid with asparagine at codon 443 of the FAM20C protein (p.Asp443Asn). The aspartic acid residue is highly conserved and there is a small physicochemical difference between aspartic acid and asparagine. This variant is not present in population databases (ExAC no frequency). This variant has not been reported in the literature in individuals affected with FAM20C-related conditions. Algorithms developed to predict the effect of missense changes on protein structure and function are either unavailable or do not agree on the potential impact of this missense change (SIFT: "Deleterious"; PolyPhen-2: "Probably Damaging"; Align-GVGD: "Class C15"). In summary, the available evidence is currently insufficient to determine the role of this variant in disease. Therefore, it has been classified as a Variant of Uncertain Significance.